The following is an entry in ClinVar:

NM_001276270.2(MBD4):c.1554G>A (p.Leu518=)

Gene: MBD4 (methyl-CpG binding domain 4, DNA glycosylase; minus strand). Cytogenetic location: 3q21.3.
Variant type: single nucleotide variant.
Coding change: c.1554G>A on transcript NM_001276270.2 (MANE Select); coding-DNA position 1554, G replaced by A.
Protein change: p.Leu518=; no amino-acid change (leucine 518 retained).
Molecular consequence: synonymous variant.
Genome position (GRCh38, 1-based): chr3:129,432,596, C>T on the plus strand (G>A on the coding strand, the complement: MBD4 is on the minus strand). VCF-style: chr3-129432596-C-T. GRCh37 (hg19) VCF-style: chr3-129151439-C-T.
Other names: c.1572G>A, p.Leu524= (NM_001276271.2, NM_001276272.2, NM_003925.3); c.618G>A, p.Leu206= (NM_001276273.2).
Identifiers: ClinVar variation 3870848 (VCV003870848.3).

ClinVar aggregate classification (germline): Benign/Likely benign. Review status: criteria provided, multiple submitters, no conflicts (2 of 4 stars). 3 submissions from 3 submitters: Benign (1); Likely benign (2). Last evaluated 2026-06-12.

Conditions:
Inborn genetic diseases. Identifiers: MedGen C0950123, MeSH D030342.
Tumor predisposition syndrome 2 (TPDS2). Also called: MBD4-Related Tumor Predisposition Syndrome; MBD4-associated neoplasia syndrome (MANS); MBD4-ASSOCIATED NEOPLASIA SYNDROME. Identifiers: Orphanet 661526, MedGen C5774186, MONDO:0859267, OMIM 619975.

Submissions (3):

Myriad Genetics, Inc.
Classification: Benign for Tumor predisposition syndrome 2. Last evaluated: 2026-06-12. Review status: criteria provided, single submitter. Criteria: Myriad Autosomal Dominant, Autosomal Recessive and X-Linked Classification Criteria (2023). Collection method: clinical testing. Allele origin: unknown.
Comment: This variant is considered benign. This variant is a silent/synonymous amino acid change and it is not expected to impact splicing.

Labcorp Genetics (formerly Invitae), Labcorp
Classification: Likely benign. Last evaluated: 2026-01-11. Review status: criteria provided, single submitter. Criteria: Invitae Variant Classification Sherloc (09022015). Collection method: clinical testing. Allele origin: germline.

Ambry Genetics
Classification: Likely benign for Inborn genetic diseases. Last evaluated: 2024-12-16. Review status: criteria provided, single submitter. Criteria: Ambry Variant Classification Scheme 2023. Collection method: clinical testing. Allele origin: germline.